The following is an entry in ClinVar:

ClinVar aggregate classification (germline): Likely benign. Review status: criteria provided, multiple submitters, no conflicts (2 of 4 stars). 2 submissions from 2 submitters: Likely benign (2). Last evaluated 2026-05-01.

Conditions:
Lipodystrophy, partial, acquired, susceptibility to (APLD). Also called: APLD, SUSCEPTIBILITY TO. Identifiers: MedGen C3887501, MONDO:0100476, OMIM 608709.
Progressive myoclonic epilepsy type 9. Identifiers: Orphanet 457265, MedGen C4225289, MONDO:0014685, OMIM 616540.

Allele frequency attached by ClinVar (database versions not stated): TOPMed 0.00002.
gnomAD v4.1: 11 of 1,609,540 alleles (0.00068%); highest among the groups gnomAD compares: Admixed American, 0.015%; no homozygotes.

Submissions (2):

CeGaT Center for Human Genetics Tuebingen
Classification: Likely benign. Last evaluated: 2026-05-01. Review status: criteria provided, single submitter. Criteria: CeGaT Center For Human Genetics Tuebingen Variant Classification Criteria Version 2. Collection method: clinical testing. Allele origin: germline. Affected: yes. Observed: 1 variant allele.
Comment: LMNB2: BP4, BP7

Labcorp Genetics (formerly Invitae), Labcorp
Classification: Likely benign for Progressive myoclonic epilepsy type 9; Lipodystrophy, partial, acquired, susceptibility to. Last evaluated: 2020-12-01. Review status: criteria provided, single submitter. Criteria: Invitae Variant Classification Sherloc (09022015). Collection method: clinical testing. Allele origin: germline.

NM_032737.4(LMNB2):c.1830G>T (p.Pro610=)

Gene: LMNB2 (lamin B2; minus strand). Cytogenetic location: 19p13.3.
Variant type: single nucleotide variant.
Coding change: c.1830G>T on transcript NM_032737.4 (MANE Select); coding-DNA position 1830, G replaced by T.
Protein change: p.Pro610=; no amino-acid change (proline 610 retained).
Molecular consequence: synonymous variant.
Genome position (GRCh38, 1-based): chr19:2,430,944, C>A on the plus strand (G>T on the coding strand, the complement: LMNB2 is on the minus strand). VCF-style: chr19-2430944-C-A. GRCh37 (hg19) VCF-style: chr19-2430942-C-A.
Identifiers: ClinVar variation 752635 (VCV000752635.12), dbSNP rs748782215, ClinGen allele CA9067257.